The following is an entry in ClinVar:

NM_198576.4(AGRN):c.1061C>G (p.Ala354Gly)

Gene: AGRN (agrin; plus strand). Cytogenetic location: 1p36.33.
Variant type: single nucleotide variant.
Coding change: c.1061C>G on transcript NM_198576.4 (MANE Select); coding-DNA position 1061, C replaced by G.
Protein change: p.Ala354Gly; replaces alanine 354 with glycine.
Molecular consequence: missense variant.
Genome position (GRCh38, 1-based): chr1:1,041,586, C>G. VCF-style: chr1-1041586-C-G. GRCh37 (hg19) VCF-style: chr1-976966-C-G.
Other names: c.1061C>G, p.Ala354Gly (NM_001305275.2); c.746C>G, p.Ala249Gly (NM_001364727.2); short protein forms A249G, A354G.
Identifiers: ClinVar variation 2185307 (VCV002185307.4), dbSNP rs759676959, ClinGen allele CA337826881.

ClinVar aggregate classification (germline): Uncertain significance (1 of 4 stars; one submission).

Conditions:
Congenital myasthenic syndrome 8. Also called: MYASTHENIC SYNDROME, CONGENITAL, DUE TO AGRIN DEFICIENCY; Myasthenic syndrome, congenital, 8, with pre- and postsynaptic defects. Identifiers: Orphanet 590, MedGen C3808739, MONDO:0014052, OMIM 615120.

Submission:

Labcorp Genetics (formerly Invitae), Labcorp
Classification: Uncertain significance for Congenital myasthenic syndrome 8. Last evaluated: 2022-07-25. Review status: criteria provided, single submitter. Criteria: Invitae Variant Classification Sherloc (09022015). Collection method: clinical testing. Allele origin: germline.
Comment: This variant is not present in population databases (gnomAD no frequency). This sequence change replaces alanine, which is neutral and non-polar, with glycine, which is neutral and non-polar, at codon 354 of the AGRN protein (p.Ala354Gly). This variant has not been reported in the literature in individuals affected with AGRN-related conditions. In summary, the available evidence is currently insufficient to determine the role of this variant in disease. Therefore, it has been classified as a Variant of Uncertain Significance. Algorithms developed to predict the effect of missense changes on protein structure and function are either unavailable or do not agree on the potential impact of this missense change (SIFT: "Tolerated"; PolyPhen-2: "Possibly Damaging"; Align-GVGD: "Class C0").